The following is an entry in ClinVar:

NM_207361.6(FREM2):c.8933A>T (p.Asp2978Val)

Gene: FREM2 (FRAS1 related extracellular matrix 2; plus strand). Cytogenetic location: 13q13.3.
Variant type: single nucleotide variant.
Coding change: c.8933A>T on transcript NM_207361.6 (MANE Select); coding-DNA position 8933, A replaced by T.
Protein change: p.Asp2978Val; replaces aspartic acid 2978 with valine.
Molecular consequence: missense variant.
Genome position (GRCh38, 1-based): chr13:38,878,904, A>T. VCF-style: chr13-38878904-A-T. GRCh37 (hg19) VCF-style: chr13-39453041-A-T.
Other names: short protein forms D2978V.
Identifiers: ClinVar variation 1962657 (VCV001962657.5), dbSNP rs1593460734, ClinGen allele CA387908697.

ClinVar aggregate classification (germline): Uncertain significance (1 of 4 stars; one submission).

Submission:

Labcorp Genetics (formerly Invitae), Labcorp
Classification: Uncertain significance. Last evaluated: 2021-07-31. Review status: criteria provided, single submitter. Criteria: Invitae Variant Classification Sherloc (09022015). Collection method: clinical testing. Allele origin: germline.
Comment: In summary, the available evidence is currently insufficient to determine the role of this variant in disease. Therefore, it has been classified as a Variant of Uncertain Significance. Algorithms developed to predict the effect of missense changes on protein structure and function are either unavailable or do not agree on the potential impact of this missense change (SIFT: "Deleterious"; PolyPhen-2: "Probably Damaging"; Align-GVGD: "Class C0"). This variant has not been reported in the literature in individuals affected with FREM2-related conditions. This variant is not present in population databases (ExAC no frequency). This sequence change replaces aspartic acid with valine at codon 2978 of the FREM2 protein (p.Asp2978Val). The aspartic acid residue is highly conserved and there is a large physicochemical difference between aspartic acid and valine.